The following is an entry in ClinVar:

ClinVar aggregate classification (germline): Benign (0 of 4 stars; one submission).

Conditions:
ITPR3-related disorder. Also called: ITPR3-related condition.

Allele frequency attached by ClinVar (database versions not stated): gnomAD exomes 0.02397; ExAC 0.03593; gnomAD 0.05413; ESP Exome Variant Server 0.05559; 1000 Genomes Project 0.05611; 1000 Genomes Project 30x 0.05700; TOPMed 0.05801.
gnomAD v4.1: 43,830 of 1,613,934 alleles (2.7%); highest among the groups gnomAD compares: African/African-American, 13%; 1,112 homozygotes.

Submission:

PreventionGenetics, part of Exact Sciences
Classification: Benign for ITPR3-related condition. Last evaluated: 2019-05-24. Review status: no assertion criteria provided. Collection method: clinical testing. Allele origin: germline.
Comment: This variant is classified as benign based on ACMG/AMP sequence variant interpretation guidelines (Richards et al. 2015 PMID: 25741868, with internal and published modifications).

NM_002224.4(ITPR3):c.7551C>T (p.Ile2517=)

Gene: ITPR3 (inositol 1,4,5-trisphosphate receptor type 3; plus strand). Cytogenetic location: 6p21.31.
Variant type: single nucleotide variant.
Coding change: c.7551C>T on transcript NM_002224.4 (MANE Select); coding-DNA position 7551, C replaced by T.
Protein change: p.Ile2517=; no amino-acid change (isoleucine 2517 retained).
Molecular consequence: synonymous variant.
Genome position (GRCh38, 1-based): chr6:33,692,820, C>T. VCF-style: chr6-33692820-C-T. GRCh37 (hg19) VCF-style: chr6-33660597-C-T.
Identifiers: ClinVar variation 3055958 (VCV003055958.2), dbSNP rs2229643, ClinGen allele CA3762228.